The following is an entry in ClinVar:

ClinVar aggregate classification (germline): Uncertain significance. Review status: criteria provided, multiple submitters, no conflicts (2 of 4 stars). 3 submissions from 3 submitters: Uncertain significance (3). Last evaluated 2025-12-24.

Conditions:
Primary dilated cardiomyopathy (DCM). Also called: Dilated Cardiomyopathy. Identifiers: Orphanet 217604, MedGen C0007193, MeSH D002311, MONDO:0005021, HP:0001644. Inheritance: Various modes of inheritance.

Allele frequency attached by ClinVar (database versions not stated): gnomAD exomes 0.00001; TOPMed 0.00001; ExAC 0.00002; gnomAD 0.00003 and 0.00004.
gnomAD v4.1: 71 of 1,610,776 alleles (0.0044%); highest among the groups gnomAD compares: Non-Finnish European, 0.0057%; no homozygotes.

Submissions (3):

Labcorp Genetics (formerly Invitae), Labcorp
Classification: Uncertain significance for Primary dilated cardiomyopathy. Last evaluated: 2025-12-24. Review status: criteria provided, single submitter. Criteria: Invitae Variant Classification Sherloc (09022015). Collection method: clinical testing. Allele origin: germline.
Comment: This sequence change replaces arginine, which is basic and polar, with glutamine, which is neutral and polar, at codon 439 of the NEBL protein (p.Arg439Gln). This variant is present in population databases (rs755916272, gnomAD 0.002%). This variant has not been reported in the literature in individuals affected with NEBL-related conditions. ClinVar contains an entry for this variant (Variation ID: 201901). An algorithm developed to predict the effect of missense changes on protein structure and function (PolyPhen-2) suggests that this variant is likely to be disruptive. In summary, the available evidence is currently insufficient to determine the role of this variant in disease. Therefore, it has been classified as a Variant of Uncertain Significance.

Ambry Genetics
Classification: Uncertain significance. Last evaluated: 2024-04-19. Review status: criteria provided, single submitter. Criteria: Ambry Variant Classification Scheme 2023. Collection method: clinical testing. Allele origin: germline.
Comment: The p.R439Q variant (also known as c.1316G>A), located in coding exon 13 of the NEBL gene, results from a G to A substitution at nucleotide position 1316. The arginine at codon 439 is replaced by glutamine, an amino acid with highly similar properties. This amino acid position is conserved. In addition, this alteration is predicted to be tolerated by in silico analysis. Since supporting evidence is limited at this time, the clinical significance of this alteration remains unclear.

GeneDx
Classification: Uncertain significance. Last evaluated: 2023-10-03. Review status: criteria provided, single submitter. Criteria: GeneDx Variant Classification Process June 2021. Collection method: clinical testing. Allele origin: germline. Affected: yes.
Comment: Has not been previously published as pathogenic or benign to our knowledge; In silico analysis supports that this missense variant does not alter protein structure/function; Variants in candidate genes are classified as variants of uncertain significance in accordance with ACMG guidelines (Richards et al., 2015)

NM_006393.3(NEBL):c.1316G>A (p.Arg439Gln)

Gene: NEBL (nebulette; minus strand). Cytogenetic location: 10p12.31.
Variant type: single nucleotide variant.
Coding change: c.1316G>A on transcript NM_006393.3 (MANE Select); coding-DNA position 1316, G replaced by A.
Protein change: p.Arg439Gln; replaces arginine 439 with glutamine.
Molecular consequence: missense variant. On other transcripts: intron variant (9).
Genome position (GRCh38, 1-based): chr10:20,840,761, C>T on the plus strand (G>A on the coding strand, the complement: NEBL is on the minus strand). VCF-style: chr10-20840761-C-T. GRCh37 (hg19) VCF-style: chr10-21129690-C-T.
Other names: p.R439Q:CGA>CAA; c.250-27821G>A (NM_001377326.1, NM_001377327.1, NM_001377328.1); c.358-27821G>A (NM_213569.2, NM_001173484.2, NM_001377322.1); c.301-27821G>A (NM_001377324.1); c.292-27821G>A (NM_001377325.1); c.310-27821G>A (NM_001377323.1); short protein forms R439Q.
Identifiers: ClinVar variation 201901 (VCV000201901.14), dbSNP rs755916272, ClinGen allele CA335346.